The following is an entry in ClinVar:

NM_005359.6(SMAD4):c.302G>A (p.Trp101Ter)

Gene: SMAD4 (SMAD family member 4; plus strand). Cytogenetic location: 18q21.2.
Variant type: single nucleotide variant.
Coding change: c.302G>A on transcript NM_005359.6 (MANE Select); coding-DNA position 302, G replaced by A.
Protein change: p.Trp101Ter; replaces tryptophan 101 with a stop codon.
Molecular consequence: nonsense.
Genome position (GRCh38, 1-based): chr18:51,048,738, G>A. VCF-style: chr18-51048738-G-A. GRCh37 (hg19) VCF-style: chr18-48575108-G-A.
Other names: short protein forms W101*.
Identifiers: ClinVar variation 3445835 (VCV003445835.1), dbSNP rs377767323.
Genomic context (GRCh38, chr18:51,048,738, plus strand): 5'-TTTTCTAGGTGGCTGGTCGGAAAGGATTTCCTCATGTGATCTATGCCCGTCTCTGGAGGT[G>A]GCCTGATCTTCACAAAAATGAACTAAAACATGTTAAATATTGTCAGTATGCGTTTGACTT-3'

ClinVar aggregate classification (germline): Pathogenic (1 of 4 stars; one submission).

Conditions:
Familial thoracic aortic aneurysm and aortic dissection (TAAD). Also called: Thoracic aortic aneurysms and dissections. Identifiers: Orphanet 91387, MedGen C4707243, MONDO:0019625.
Hereditary cancer-predisposing syndrome. Also called: Tumor predisposition; Neoplastic Syndromes, Hereditary; Hereditary neoplastic syndrome; Hereditary Cancer Syndrome. Identifiers: Orphanet 140162, MedGen C0027672, MeSH D009386, MONDO:0015356.

Submission:

Ambry Genetics
Classification: Pathogenic for Hereditary cancer-predisposing syndrome; Familial thoracic aortic aneurysm and aortic dissection. Last evaluated: 2024-07-18. Review status: criteria provided, single submitter. Criteria: Ambry Variant Classification Scheme 2023. Collection method: clinical testing. Allele origin: germline.
Comment: The p.W101* pathogenic mutation (also known as c.302G>A), located in coding exon 2 of the SMAD4 gene, results from a G to A substitution at nucleotide position 302. This changes the amino acid from a tryptophan to a stop codon within coding exon 2. This mutation has been reported in individuals with clinical diagnoses of juvenile polyposis syndrome (JPS) and hereditary hemorrhagic telangiectasia (HHT) (Gallione C et al. Am J Med Genet A, 2010 Feb;152A:333-9; Ambry internal data). This variant is considered to be rare based on population cohorts in the Genome Aggregation Database (gnomAD). In addition to the clinical data presented in the literature, this alteration is expected to result in loss of function by premature protein truncation or nonsense-mediated mRNA decay. As such, this alteration is interpreted as a disease-causing mutation.

Literature cited by the submitters: PubMed 20101697.